The following is an entry in ClinVar:

NM_006767.4(LZTR1):c.614T>G (p.Ile205Ser)

Gene: LZTR1 (leucine zipper like post translational regulator 1; plus strand). Cytogenetic location: 22q11.21.
Variant type: single nucleotide variant.
Coding change: c.614T>G on transcript NM_006767.4 (MANE Select); coding-DNA position 614, T replaced by G.
Protein change: p.Ile205Ser; replaces isoleucine 205 with serine.
Molecular consequence: missense variant.
Genome position (GRCh38, 1-based): chr22:20,989,645, T>G. VCF-style: chr22-20989645-T-G. GRCh37 (hg19) VCF-style: chr22-21343934-T-G.
Other names: short protein forms I205S.
Identifiers: ClinVar variation 3869325 (VCV003869325.1).

ClinVar aggregate classification (germline): Uncertain significance (1 of 4 stars; one submission).

Conditions:
Cardiovascular phenotype. Identifiers: MedGen CN230736.
Hereditary cancer-predisposing syndrome. Also called: Tumor predisposition; Neoplastic Syndromes, Hereditary; Hereditary Cancer Syndrome; Hereditary neoplastic syndrome. Identifiers: Orphanet 140162, MedGen C0027672, MeSH D009386, MONDO:0015356.

Submission:

Ambry Genetics
Classification: Uncertain significance for Cardiovascular phenotype; Hereditary cancer-predisposing syndrome. Last evaluated: 2025-02-09. Review status: criteria provided, single submitter. Criteria: Ambry Variant Classification Scheme 2023. Collection method: clinical testing. Allele origin: germline.
Comment: The p.I205S variant (also known as c.614T>G), located in coding exon 7 of the LZTR1 gene, results from a T to G substitution at nucleotide position 614. The isoleucine at codon 205 is replaced by serine, an amino acid with dissimilar properties. This amino acid position is conserved. In addition, this alteration is predicted to be deleterious by in silico analysis. Based on the available evidence, the clinical significance of this variant remains unclear.